The following is an entry in ClinVar:

NM_000069.3(CACNA1S):c.3832T>G (p.Phe1278Val)

Gene: CACNA1S (calcium voltage-gated channel subunit alpha1 S; minus strand). Cytogenetic location: 1q32.1.
Variant type: single nucleotide variant.
Coding change: c.3832T>G on transcript NM_000069.3 (MANE Select); coding-DNA position 3832, T replaced by G.
Protein change: p.Phe1278Val; replaces phenylalanine 1278 with valine.
Molecular consequence: missense variant.
Genome position (GRCh38, 1-based): chr1:201,053,238, A>C on the plus strand (T>G on the coding strand, the complement: CACNA1S is on the minus strand). VCF-style: chr1-201053238-A-C. GRCh37 (hg19) VCF-style: chr1-201022366-A-C.
Other names: short protein forms F1278V.
Identifiers: ClinVar variation 1984666 (VCV001984666.4), dbSNP rs2464458726, ClinGen allele CA344153406.

ClinVar aggregate classification (germline): Uncertain significance (1 of 4 stars; one submission).

Conditions:
Hypokalemic periodic paralysis, type 1. Also called: HypoPP; Hypokalemic Periodic Paralysis Type 1 (AD). Identifiers: Orphanet 681, MedGen C3714580, MONDO:0042979, OMIM 170400.
Malignant hyperthermia, susceptibility to, 5 (MHS5). Also called: CACNA1S-Related Malignant Hyperthermia Susceptibility. Identifiers: Orphanet 423, MedGen C1866077, MONDO:0011163, OMIM 601887.

Submission:

Labcorp Genetics (formerly Invitae), Labcorp
Classification: Uncertain significance for Hypokalemic periodic paralysis, type 1; Malignant hyperthermia, susceptibility to, 5. Last evaluated: 2022-03-11. Review status: criteria provided, single submitter. Criteria: Invitae Variant Classification Sherloc (09022015). Collection method: clinical testing. Allele origin: germline.
Comment: This variant is not present in population databases (gnomAD no frequency). In summary, the available evidence is currently insufficient to determine the role of this variant in disease. Therefore, it has been classified as a Variant of Uncertain Significance. Algorithms developed to predict the effect of missense changes on protein structure and function (SIFT, PolyPhen-2, Align-GVGD) all suggest that this variant is likely to be disruptive. This variant has not been reported in the literature in individuals affected with CACNA1S-related conditions. This sequence change replaces phenylalanine, which is neutral and non-polar, with valine, which is neutral and non-polar, at codon 1278 of the CACNA1S protein (p.Phe1278Val).